The following is an entry in ClinVar:

NM_012232.6(CAVIN1):c.*1788C>G

Gene: CAVIN1 (caveolae associated protein 1; minus strand). Cytogenetic location: 17q21.2.
Variant type: single nucleotide variant.
Coding change: c.*1788C>G on transcript NM_012232.6 (MANE Select); 1788 bases downstream of the stop codon, C replaced by G.
Molecular consequence: 3 prime UTR variant.
Genome position (GRCh38, 1-based): chr17:42,402,899, G>C on the plus strand (C>G on the coding strand, the complement: CAVIN1 is on the minus strand). VCF-style: chr17-42402899-G-C. GRCh37 (hg19) VCF-style: chr17-40554917-G-C.
Identifiers: ClinVar variation 323257 (VCV000323257.5), dbSNP rs11546699, ClinGen allele CA10650143.
Genomic context (GRCh38, chr17:42,402,899, plus strand): 5'-GGAGAGGGGCTGTTCTTGCTTCTGACAAACCCCCTTTAATGGGGAGGAACAAGGGGACTC[G>C]TGTCTTGAGAACCTGGTCGTGTCTTGAGAACCCAGTCCAAACAGAATCAGGCCTCTGGAC-3'

ClinVar aggregate classification (germline): Likely benign (1 of 4 stars; one submission).

Conditions:
Congenital generalized lipodystrophy type 4. Also called: BERARDINELLI-SEIP CONGENITAL LIPODYSTROPHY, TYPE 4, WITH MUSCULAR DYSTROPHY. Identifiers: Orphanet 228429, MedGen C2750069, MONDO:0013225, OMIM 613327.

Allele frequency attached by ClinVar (database versions not stated): TOPMed 0.03635; 1000 Genomes Project 30x 0.04107; 1000 Genomes Project 0.04273; gnomAD exomes 0.04688.
gnomAD v4.1: 6,026 of 152,202 alleles (4%); highest among the groups gnomAD compares: South Asian, 6.5%; 137 homozygotes.

Submission:

Illumina Laboratory Services, Illumina
Classification: Likely benign for Congenital generalized lipodystrophy type 4. Last evaluated: 2017-04-27. Review status: criteria provided, single submitter. Criteria: ICSL Variant Classification Criteria 13 December 2019. Collection method: clinical testing. Allele origin: germline.
Comment: This variant was observed as part of a predisposition screen in an ostensibly healthy population. A literature search was performed for the gene, cDNA change, and amino acid change (where applicable). No publications were found based on this search. Allele frequency data from public databases allowed determination this variant is unlikely to cause disease. Therefore, this variant is classified as likely benign.